The following is an entry in ClinVar:

ClinVar aggregate classification (germline): Uncertain significance (0 of 4 stars; one submission).

Conditions:
PCNT-related disorder. Also called: PCNT-related condition.

gnomAD v4.1: 1 of 1,609,432 alleles (0.000062%); highest among the groups gnomAD compares: Admixed American, 0.0017%; no homozygotes.

Submission:

PreventionGenetics, part of Exact Sciences
Classification: Uncertain significance for PCNT-related condition. Last evaluated: 2024-09-23. Review status: no assertion criteria provided. Collection method: clinical testing. Allele origin: germline.
Comment: The PCNT c.6127C>G variant is predicted to result in the amino acid substitution p.Leu2043Val. To our knowledge, this variant has not been reported in the literature or in a large population database, indicating this variant is rare. At this time, the clinical significance of this variant is uncertain due to the absence of conclusive functional and genetic evidence.

NM_006031.6(PCNT):c.6127C>G (p.Leu2043Val)

Gene: PCNT (pericentrin; plus strand). Cytogenetic location: 21q22.3.
Variant type: single nucleotide variant.
Coding change: c.6127C>G on transcript NM_006031.6 (MANE Select); coding-DNA position 6127, C replaced by G.
Protein change: p.Leu2043Val; replaces leucine 2043 with valine.
Molecular consequence: missense variant.
Genome position (GRCh38, 1-based): chr21:46,412,969, C>G. VCF-style: chr21-46412969-C-G. GRCh37 (hg19) VCF-style: chr21-47832883-C-G.
Other names: c.5773C>G, p.Leu1925Val (NM_001315529.2); short protein forms L1925V, L2043V.
Identifiers: ClinVar variation 3347576 (VCV003347576.1).